The following is an entry in ClinVar:

NM_014225.6(PPP2R1A):c.901G>A (p.Ala301Thr)

Gene: PPP2R1A (protein phosphatase 2 scaffold subunit Aalpha; plus strand). Cytogenetic location: 19q13.41.
Variant type: single nucleotide variant.
Coding change: c.901G>A on transcript NM_014225.6 (MANE Select); coding-DNA position 901, G replaced by A.
Protein change: p.Ala301Thr; replaces alanine 301 with threonine.
Molecular consequence: missense variant. On other transcripts: non-coding transcript variant (1).
Genome position (GRCh38, 1-based): chr19:52,215,872, G>A. VCF-style: chr19-52215872-G-A. GRCh37 (hg19) VCF-style: chr19-52719125-G-A.
Other names: c.364G>A, p.Ala122Thr (NM_001363656.2); short protein forms A122T, A301T.
Identifiers: ClinVar variation 1482463 (VCV001482463.8), dbSNP rs771769470, ClinGen allele CA9621456.
Genomic context (GRCh38, chr19:52,215,872, plus strand): 5'-ACAGACCTGGTCCCTGCCTTCCAGAACCTGATGAAAGACTGTGAGGCCGAGGTGAGGGCC[G>A]CAGCCTCCCACAAGGTCAAAGGTTGGTGCTGGCAGCCGGAACACAGCAAGTGGGGTGGGT-3'
Protein context (NP_055040.2, residues 291-311): MKDCEAEVRA[Ala301Thr]ASHKVKEFCE

ClinVar aggregate classification (germline): Uncertain significance (1 of 4 stars; one submission).

Allele frequency attached by ClinVar (database versions not stated): TOPMed below 0.00001; ExAC 0.00001; gnomAD exomes 0.00001.
gnomAD v4.1: 14 of 1,613,990 alleles (0.00087%); highest among the groups gnomAD compares: South Asian, 0.0044%; no homozygotes.

Submission:

Labcorp Genetics (formerly Invitae), Labcorp
Classification: Uncertain significance. Last evaluated: 2022-02-05. Review status: criteria provided, single submitter. Criteria: Invitae Variant Classification Sherloc (09022015). Collection method: clinical testing. Allele origin: germline.
Comment: In summary, the available evidence is currently insufficient to determine the role of this variant in disease. Therefore, it has been classified as a Variant of Uncertain Significance. Algorithms developed to predict the effect of missense changes on protein structure and function are either unavailable or do not agree on the potential impact of this missense change (SIFT: "Tolerated"; PolyPhen-2: "Possibly Damaging"; Align-GVGD: "Class C0"). This variant has not been reported in the literature in individuals affected with PPP2R1A-related conditions. This variant is present in population databases (rs771769470, gnomAD 0.006%). This sequence change replaces alanine, which is neutral and non-polar, with threonine, which is neutral and polar, at codon 301 of the PPP2R1A protein (p.Ala301Thr).